The following is an entry in ClinVar:

NM_006031.6(PCNT):c.2559G>A (p.Ala853=)

Gene: PCNT (pericentrin; plus strand). Cytogenetic location: 21q22.3.
Variant type: single nucleotide variant.
Coding change: c.2559G>A on transcript NM_006031.6 (MANE Select); coding-DNA position 2559, G replaced by A.
Protein change: p.Ala853=; no amino-acid change (alanine 853 retained).
Molecular consequence: synonymous variant.
Genome position (GRCh38, 1-based): chr21:46,363,884, G>A. VCF-style: chr21-46363884-G-A. GRCh37 (hg19) VCF-style: chr21-47783799-G-A.
Other names: c.2205G>A, p.Ala735= (NM_001315529.2).
Identifiers: ClinVar variation 716513 (VCV000716513.9), dbSNP rs757405970, ClinGen allele CA10079011.

ClinVar aggregate classification (germline): Likely benign. Review status: criteria provided, single submitter (1 of 4 stars). 2 submissions from 2 submitters: Likely benign (1). 1 of the submissions does not count toward it. Last evaluated 2024-02-03.

Conditions:
PCNT-related disorder. Also called: PCNT-related condition.

Allele frequency attached by ClinVar (database versions not stated): gnomAD 0.00015 and 0.00013; TOPMed 0.00016.
gnomAD v4.1: 53 of 1,610,740 alleles (0.0033%); highest among the groups gnomAD compares: African/African-American, 0.045%; no homozygotes.

Submissions (2):

Labcorp Genetics (formerly Invitae), Labcorp
Classification: Likely benign. Last evaluated: 2024-02-03. Review status: criteria provided, single submitter. Criteria: Invitae Variant Classification Sherloc (09022015). Collection method: clinical testing. Allele origin: germline.

PreventionGenetics, part of Exact Sciences
Classification: Likely benign for PCNT-related condition. Last evaluated: 2022-12-08. Review status: no assertion criteria provided. Collection method: clinical testing. Allele origin: germline. Not counted in ClinVar's aggregate classification.
Comment: This variant is classified as likely benign based on ACMG/AMP sequence variant interpretation guidelines (Richards et al. 2015 PMID: 25741868, with internal and published modifications).